The following is an entry in ClinVar:

NM_001080508.3(TBX18):c.1483C>A (p.Gln495Lys)

Gene: TBX18 (T-box transcription factor 18; minus strand). Cytogenetic location: 6q14.3.
Variant type: single nucleotide variant.
Coding change: c.1483C>A on transcript NM_001080508.3 (MANE Select); coding-DNA position 1483, C replaced by A.
Protein change: p.Gln495Lys; replaces glutamine 495 with lysine.
Molecular consequence: missense variant.
Genome position (GRCh38, 1-based): chr6:84,737,026, G>T on the plus strand (C>A on the coding strand, the complement: TBX18 is on the minus strand). VCF-style: chr6-84737026-G-T. GRCh37 (hg19) VCF-style: chr6-85446744-G-T.
Other names: short protein forms Q495K.
Identifiers: ClinVar variation 1427122 (VCV001427122.6), dbSNP rs994172394, ClinGen allele CA142019079.

ClinVar aggregate classification (germline): Uncertain significance (1 of 4 stars; one submission).

Allele frequency attached by ClinVar (database versions not stated): gnomAD 0.00001 and 0.00002; gnomAD exomes 0.00001 and 0.00002.

Submission:

Labcorp Genetics (formerly Invitae), Labcorp
Classification: Uncertain significance. Last evaluated: 2025-10-01. Review status: criteria provided, single submitter. Criteria: Invitae Variant Classification Sherloc (09022015). Collection method: clinical testing. Allele origin: germline.
Comment: This sequence change replaces glutamine, which is neutral and polar, with lysine, which is basic and polar, at codon 495 of the TBX18 protein (p.Gln495Lys). This variant is present in population databases (no rsID available, gnomAD 0.01%). This missense change has been observed in individual(s) with renal hypoplasia (PMID: 28566479). ClinVar contains an entry for this variant (Variation ID: 1427122). Invitae Evidence Modeling of protein sequence and biophysical properties (such as structural, functional, and spatial information, amino acid conservation, physicochemical variation, residue mobility, and thermodynamic stability) indicates that this missense variant is not expected to disrupt TBX18 protein function with a negative predictive value of 80%. In summary, the available evidence is currently insufficient to determine the role of this variant in disease. Therefore, it has been classified as a Variant of Uncertain Significance.

Literature cited by the submitters: PubMed 28566479.